The following is an entry in ClinVar:

ClinVar aggregate classification (germline): Uncertain significance (1 of 4 stars; one submission).

Conditions:
Inborn genetic diseases. Identifiers: MedGen C0950123, MeSH D030342.

Allele frequency attached by ClinVar (database versions not stated): gnomAD exomes below 0.00001.

Submission:

Ambry Genetics
Classification: Uncertain significance for Inborn genetic diseases. Last evaluated: 2023-04-20. Review status: criteria provided, single submitter. Criteria: Ambry Variant Classification Scheme 2023. Collection method: clinical testing. Allele origin: germline.
Comment: The c.3054G>C (p.M1018I) alteration is located in exon 21 (coding exon 21) of the ARFGEF1 gene. This alteration results from a G to C substitution at nucleotide position 3054, causing the methionine (M) at amino acid position 1018 to be replaced by an isoleucine (I). This variant was not reported in population-based cohorts in the Genome Aggregation Database (gnomAD). This amino acid position is highly conserved in available vertebrate species. This missense alteration is located in a region that has a low rate of benign missense variation (Lek, 2016; Firth, 2009). This alteration is predicted to be tolerated by in silico analysis. Based on insufficient or conflicting evidence, the clinical significance of this alteration remains unclear.

NM_006421.5(ARFGEF1):c.3054G>C (p.Met1018Ile)

Gene: ARFGEF1 (ARF guanine nucleotide exchange factor 1; minus strand). Cytogenetic location: 8q13.2.
Variant type: single nucleotide variant.
Coding change: c.3054G>C on transcript NM_006421.5 (MANE Select); coding-DNA position 3054, G replaced by C.
Protein change: p.Met1018Ile; replaces methionine 1018 with isoleucine.
Molecular consequence: missense variant. On other transcripts: non-coding transcript variant (1).
Genome position (GRCh38, 1-based): chr8:67,238,819, C>G on the plus strand (G>C on the coding strand, the complement: ARFGEF1 is on the minus strand). VCF-style: chr8-67238819-C-G. GRCh37 (hg19) VCF-style: chr8-68151054-C-G.
Other names: c.3054G>C, p.Met1018Ile (NM_001413184.1, NM_001413185.1, NM_001413186.1 and 6 more transcripts); c.2454G>C, p.Met818Ile (NM_001413188.1, NM_001413193.1, NM_001413197.1); c.3048G>C, p.Met1016Ile (NM_001413190.1); c.1629G>C, p.Met543Ile (NM_001413196.1); short protein forms M543I, M1016I, M1018I, M818I.
Identifiers: ClinVar variation 2495209 (VCV002495209.3), dbSNP rs2491452213, ClinGen allele CA371207645.